The following is an entry in ClinVar:

ClinVar aggregate classification (germline): Likely benign (1 of 4 stars; one submission).

gnomAD v4.1: 10 of 1,613,904 alleles (0.00062%); highest among the groups gnomAD compares: Middle Eastern, 0.017%; no homozygotes.

Submission:

CeGaT Center for Human Genetics Tuebingen
Classification: Likely benign. Last evaluated: 2026-03-01. Review status: criteria provided, single submitter. Criteria: CeGaT Center For Human Genetics Tuebingen Variant Classification Criteria Version 2. Collection method: clinical testing. Allele origin: germline. Affected: yes. Observed: 1 variant allele.
Comment: CNOT1: BP4, BP7

NM_016284.5(CNOT1):c.6687C>T (p.His2229=)

Gene: CNOT1 (CCR4-NOT transcription complex subunit 1; minus strand). Cytogenetic location: 16q21.
Variant type: single nucleotide variant.
Coding change: c.6687C>T on transcript NM_016284.5 (MANE Select); coding-DNA position 6687, C replaced by T.
Protein change: p.His2229=; no amino-acid change (histidine 2229 retained).
Molecular consequence: synonymous variant. On other transcripts: non-coding transcript variant (1).
Genome position (GRCh38, 1-based): chr16:58,525,276, G>A on the plus strand (C>T on the coding strand, the complement: CNOT1 is on the minus strand). VCF-style: chr16-58525276-G-A. GRCh37 (hg19) VCF-style: chr16-58559180-G-A.
Other names: c.6672C>T, p.His2224= (NM_001265612.2).
Identifiers: ClinVar variation 4821737 (VCV004821737.4).